The following is an entry in ClinVar:

ClinVar aggregate classification (germline): Likely pathogenic (1 of 4 stars; one submission).

Conditions:
Joubert syndrome 23 (JBTS23). Identifiers: Orphanet 475, MedGen C4084822, MONDO:0014664, OMIM 616490.
Short-rib thoracic dysplasia 14 with polydactyly (SRTD14). Identifiers: Orphanet 397715, MedGen C4225286, MONDO:0014688, OMIM 616546.

Submission:

Labcorp Genetics (formerly Invitae), Labcorp
Classification: Likely pathogenic for Joubert syndrome 23; Short-rib thoracic dysplasia 14 with polydactyly. Last evaluated: 2022-11-21. Review status: criteria provided, single submitter. Criteria: Invitae Variant Classification Sherloc (09022015). Collection method: clinical testing. Allele origin: germline.
Comment: In summary, the currently available evidence indicates that the variant is pathogenic, but additional data are needed to prove that conclusively. Therefore, this variant has been classified as Likely Pathogenic. This variant has not been reported in the literature in individuals affected with KIAA0586-related conditions. This variant results in a copy number gain of the genomic region encompassing exon(s) 8-10 of the KIAA0586 gene. While the exact position of this variant cannot be determined from the data, sub-genic copy number gains are generally in tandem (PMID: 25640679). This variant is predicted to be out-of-frame, and may result in an absent or disrupted protein product. Loss-of-function variants in KIAA0586 are known to be pathogenic (PMID: 26096313, 26166481, 26386044).

Literature cited by the submitters: PubMed 25640679; PubMed 26096313; PubMed 26166481; PubMed 26386044.

NC_000014.8:g.(?_58910652)_(58917484_?)dup

Gene: KIAA0586 (KIAA0586; plus strand). Cytogenetic location: 14q23.1.
Variant type: Duplication.
Identifiers: ClinVar variation 2424018 (VCV002424018.4).